The following is an entry in ClinVar:

ClinVar aggregate classification (germline): Uncertain significance (1 of 4 stars; one submission).

gnomAD v4.1: 6 of 1,613,610 alleles (0.00037%); highest among the groups gnomAD compares: East Asian, 0.013%; no homozygotes.

Submission:

Labcorp Genetics (formerly Invitae), Labcorp
Classification: Uncertain significance. Last evaluated: 2024-07-17. Review status: criteria provided, single submitter. Criteria: Invitae Variant Classification Sherloc (09022015). Collection method: clinical testing. Allele origin: germline.
Comment: This sequence change replaces arginine, which is basic and polar, with glutamine, which is neutral and polar, at codon 1193 of the RTTN protein (p.Arg1193Gln). This variant is not present in population databases (gnomAD no frequency). This variant has not been reported in the literature in individuals affected with RTTN-related conditions. Advanced modeling of protein sequence and biophysical properties (such as structural, functional, and spatial information, amino acid conservation, physicochemical variation, residue mobility, and thermodynamic stability) performed at Invitae indicates that this missense variant is not expected to disrupt RTTN protein function with a negative predictive value of 80%. In summary, the available evidence is currently insufficient to determine the role of this variant in disease. Therefore, it has been classified as a Variant of Uncertain Significance.

NM_173630.4(RTTN):c.3578G>A (p.Arg1193Gln)

Gene: RTTN (rotatin; minus strand). Cytogenetic location: 18q22.2.
Variant type: single nucleotide variant.
Coding change: c.3578G>A on transcript NM_173630.4 (MANE Select); coding-DNA position 3578, G replaced by A.
Protein change: p.Arg1193Gln; replaces arginine 1193 with glutamine.
Molecular consequence: missense variant.
Genome position (GRCh38, 1-based): chr18:70,114,550, C>T on the plus strand (G>A on the coding strand, the complement: RTTN is on the minus strand). VCF-style: chr18-70114550-C-T. GRCh37 (hg19) VCF-style: chr18-67781786-C-T.
Other names: c.842G>A, p.Arg281Gln (NM_001318520.2); short protein forms R1193Q, R281Q.
Identifiers: ClinVar variation 3619884 (VCV003619884.2).